The following is an entry in ClinVar:

ClinVar aggregate classification (germline): Uncertain significance (1 of 4 stars; one submission).

Conditions:
Primary ciliary dyskinesia. Also called: Ciliary dyskinesia. Identifiers: Orphanet 244, MedGen C0008780, MONDO:0016575, HP:0012265.

Submission:

Ambry Genetics
Classification: Uncertain significance for Primary ciliary dyskinesia. Last evaluated: 2025-05-15. Review status: criteria provided, single submitter. Criteria: Ambry Variant Classification Scheme 2023. Collection method: clinical testing. Allele origin: germline.
Comment: The p.C1996Y variant (also known as c.5987G>A), located in coding exon 36 of the DNAH5 gene, results from a G to A substitution at nucleotide position 5987. The cysteine at codon 1996 is replaced by tyrosine, an amino acid with highly dissimilar properties. This amino acid position is conserved. In addition, the in silico prediction for this alteration is inconclusive. Based on the available evidence, the clinical significance of this variant remains unclear.

NM_001369.3(DNAH5):c.5987G>A (p.Cys1996Tyr)

Gene: DNAH5 (dynein axonemal heavy chain 5; minus strand). Cytogenetic location: 5p15.2.
Variant type: single nucleotide variant.
Coding change: c.5987G>A on transcript NM_001369.3 (MANE Select); coding-DNA position 5987, G replaced by A.
Protein change: p.Cys1996Tyr; replaces cysteine 1996 with tyrosine.
Molecular consequence: missense variant.
Genome position (GRCh38, 1-based): chr5:13,830,671, C>T on the plus strand (G>A on the coding strand, the complement: DNAH5 is on the minus strand). VCF-style: chr5-13830671-C-T. GRCh37 (hg19) VCF-style: chr5-13830780-C-T.
Other names: short protein forms C1996Y.
Identifiers: ClinVar variation 4013104 (VCV004013104.1).